The following is an entry in ClinVar:

ClinVar aggregate classification (germline): Uncertain significance (1 of 4 stars; one submission).

Submission:

GeneDx
Classification: Uncertain significance. Last evaluated: 2026-09-17. Review status: criteria provided, single submitter. Criteria: GeneDx Variant Classification Process June 2021. Collection method: clinical testing. Allele origin: germline.
Comment: Not observed at significant frequency in large population cohorts (gnomAD); In silico analysis supports that this missense variant has a deleterious effect on protein structure/function; Has not been previously published as pathogenic or benign to our knowledge

NM_021120.4(DLG3):c.632G>A (p.Arg211Gln)

Gene: DLG3 (discs large MAGUK scaffold protein 3; plus strand). Cytogenetic location: Xq13.1.
Variant type: single nucleotide variant.
Coding change: c.632G>A on transcript NM_021120.4 (MANE Select); coding-DNA position 632, G replaced by A.
Protein change: p.Arg211Gln; replaces arginine 211 with glutamine.
Molecular consequence: missense variant.
Genome position (GRCh38, 1-based): chrX:70,449,788, G>A. VCF-style: chrX-70449788-G-A. GRCh37 (hg19) VCF-style: chrX-69669638-G-A.
Other names: short protein forms R211Q.
Identifiers: ClinVar variation 3573683 (VCV003573683.2).